The following is an entry in ClinVar:

NM_001851.6(COL9A1):c.1287+5G>A

Gene: COL9A1 (collagen type IX alpha 1 chain; minus strand). Cytogenetic location: 6q13.
Variant type: single nucleotide variant.
Coding change: c.1287+5G>A on transcript NM_001851.6 (MANE Select); 5 bases into the intron after coding-DNA position 1287, G replaced by A.
Molecular consequence: intron variant.
Genome position (GRCh38, 1-based): chr6:70,268,799, C>T on the plus strand (G>A on the coding strand, the complement: COL9A1 is on the minus strand). VCF-style: chr6-70268799-C-T. GRCh37 (hg19) VCF-style: chr6-70978502-C-T.
Other names: c.558+5G>A (NM_001377290.1, NM_078485.4, NM_001377289.1).
Identifiers: ClinVar variation 2060410 (VCV002060410.4), dbSNP rs2483387274, ClinGen allele CA2578664247.

ClinVar aggregate classification (germline): Uncertain significance (1 of 4 stars; one submission).

Submission:

Labcorp Genetics (formerly Invitae), Labcorp
Classification: Uncertain significance. Last evaluated: 2023-03-23. Review status: criteria provided, single submitter. Criteria: Invitae Variant Classification Sherloc (09022015). Collection method: clinical testing. Allele origin: germline.
Comment: In summary, the available evidence is currently insufficient to determine the role of this variant in disease. Therefore, it has been classified as a Variant of Uncertain Significance. This variant has not been reported in the literature in individuals affected with COL9A1-related conditions. Variants that disrupt the consensus splice site are a relatively common cause of aberrant splicing (PMID: 17576681, 9536098). Algorithms developed to predict the effect of sequence changes on RNA splicing suggest that this variant may disrupt the consensus splice site. ClinVar contains an entry for this variant (Variation ID: 2060410). This variant is not present in population databases (gnomAD no frequency). This sequence change falls in intron 17 of the COL9A1 gene. It does not directly change the encoded amino acid sequence of the COL9A1 protein. It affects a nucleotide within the consensus splice site.

Literature cited by the submitters: PubMed 17576681; PubMed 9536098.